The following is an entry in ClinVar:

ClinVar aggregate classification (germline): Pathogenic (1 of 4 stars; one submission).

Conditions:
Primary ciliary dyskinesia. Also called: Ciliary dyskinesia. Identifiers: Orphanet 244, MedGen C0008780, MONDO:0016575, HP:0012265.

Submission:

Labcorp Genetics (formerly Invitae), Labcorp
Classification: Pathogenic for Primary ciliary dyskinesia. Last evaluated: 2022-11-02. Review status: criteria provided, single submitter. Criteria: Invitae Variant Classification Sherloc (09022015). Collection method: clinical testing. Allele origin: germline.
Comment: For these reasons, this variant has been classified as Pathogenic. This variant disrupts a region of the DNAAF3 protein in which other variant(s) (p.Phe353Ser) have been determined to be pathogenic (Invitae). This suggests that this is a clinically significant region of the protein, and that variants that disrupt it are likely to be disease-causing. This variant has not been reported in the literature in individuals affected with DNAAF3-related conditions. This variant is not present in population databases (gnomAD no frequency). This variant, c.1053_1067del, results in the deletion of 5 amino acid(s) of the DNAAF3 protein (p.Phe353_Ala357del), but otherwise preserves the integrity of the reading frame.

NM_001256715.2(DNAAF3):c.849_863del (p.Phe285_Ala289del)

Genes: DNAAF3-AS1 (DNAAF3 antisense RNA 1; plus strand), DNAAF3 (dynein axonemal assembly factor 3; minus strand). Cytogenetic location: 19q13.42.
Variant type: Deletion.
Coding change: c.849_863del on transcript NM_001256715.2 (MANE Select); coding-DNA positions 849 to 863, 15 bases deleted (GGCCTTCGGCATCGA).
Protein change: p.Phe285_Ala289del.
Molecular consequence: inframe deletion.
Genome position (GRCh38, 1-based): chr19:55,161,114-55,161,128, TCGATGCCGAAGGCC deleted on the plus strand (GGCCTTCGGCATCGA on the coding strand, the reverse complement: DNAAF3 is on the minus strand). VCF-style (leftmost placement, unchanged base first): chr19-55161113-TTCGATGCCGAAGGCC-T. GRCh37 (hg19) VCF-style: chr19-55672481-TTCGATGCCGAAGGCC-T.
Other names: c.687_701del, p.Phe231_Ala235del (NM_001256716.2); c.990_1004del, p.Phe332_Ala336del (NM_178837.4); c.1053_1067del, p.Phe353_Ala357del (NM_001256714.1).
Identifiers: ClinVar variation 2028355 (VCV002028355.4), dbSNP rs2515521686, ClinGen allele CA2580097806.